The following is an entry in ClinVar:

ClinVar aggregate classification (germline): Uncertain significance. Review status: criteria provided, multiple submitters, no conflicts (2 of 4 stars). 2 submissions from 2 submitters: Uncertain significance (2). Last evaluated 2024-12-02.

Conditions:
Cardiovascular phenotype. Identifiers: MedGen CN230736.

gnomAD v4.1: 3 of 1,613,896 alleles (0.00019%); highest among the groups gnomAD compares: Non-Finnish European, 0.00025%; no homozygotes.

Submissions (2):

Ambry Genetics
Classification: Uncertain significance for Cardiovascular phenotype. Last evaluated: 2024-12-02. Review status: criteria provided, single submitter. Criteria: Ambry Variant Classification Scheme 2023. Collection method: clinical testing. Allele origin: germline.

Labcorp Genetics (formerly Invitae), Labcorp
Classification: Uncertain significance. Last evaluated: 2023-10-12. Review status: criteria provided, single submitter. Criteria: Invitae Variant Classification Sherloc (09022015). Collection method: clinical testing. Allele origin: germline.
Comment: This sequence change replaces isoleucine, which is neutral and non-polar, with valine, which is neutral and non-polar, at codon 233 of the TBX20 protein (p.Ile233Val). This variant is not present in population databases (gnomAD no frequency). This variant has not been reported in the literature in individuals affected with TBX20-related conditions. ClinVar contains an entry for this variant (Variation ID: 1756415). Advanced modeling of protein sequence and biophysical properties (such as structural, functional, and spatial information, amino acid conservation, physicochemical variation, residue mobility, and thermodynamic stability) performed at Invitae indicates that this missense variant is not expected to disrupt TBX20 protein function. In summary, the available evidence is currently insufficient to determine the role of this variant in disease. Therefore, it has been classified as a Variant of Uncertain Significance.

NM_001077653.2(TBX20):c.697A>G (p.Ile233Val)

Gene: TBX20 (T-box transcription factor 20; minus strand). Cytogenetic location: 7p14.2.
Variant type: single nucleotide variant.
Coding change: c.697A>G on transcript NM_001077653.2 (MANE Select); coding-DNA position 697, A replaced by G.
Protein change: p.Ile233Val; replaces isoleucine 233 with valine.
Molecular consequence: missense variant.
Genome position (GRCh38, 1-based): chr7:35,240,995, T>C on the plus strand (A>G on the coding strand, the complement: TBX20 is on the minus strand). VCF-style: chr7-35240995-T-C. GRCh37 (hg19) VCF-style: chr7-35280607-T-C.
Other names: c.697A>G, p.Ile233Val (NM_001166220.1); short protein forms I233V.
Identifiers: ClinVar variation 1756415 (VCV001756415.8), dbSNP rs1342084751, ClinGen allele CA367264140.